The following is an entry in ClinVar:

ClinVar aggregate classification (germline): Benign/Likely benign. Review status: criteria provided, multiple submitters, no conflicts (2 of 4 stars). 5 submissions from 5 submitters: Benign (1); Likely benign (3). 1 of the submissions does not count toward it. Last evaluated 2026-09-01.

Conditions:
Congenital myopathy with internal nuclei and atypical cores. Also called: Myopathy, centronuclear, 4. Identifiers: Orphanet 319160, MedGen C4707232, MONDO:0013890, OMIM 614807.

Allele frequency attached by ClinVar (database versions not stated): gnomAD exomes 0.00135; ExAC 0.00159; ESP Exome Variant Server 0.00388; gnomAD 0.00473 and 0.00503; TOPMed 0.00490; 1000 Genomes Project 0.00779; 1000 Genomes Project 30x 0.00843.
gnomAD v4.1: 1,436 of 1,601,088 alleles (0.09%); highest among the groups gnomAD compares: African/African-American, 1.5%; 12 homozygotes.

Submissions (5):

CeGaT Center for Human Genetics Tuebingen
Classification: Likely benign. Last evaluated: 2026-09-01. Review status: criteria provided, single submitter. Criteria: CeGaT Center For Human Genetics Tuebingen Variant Classification Criteria Version 2. Collection method: clinical testing. Allele origin: germline. Affected: yes. Observed: 1 variant allele.
Comment: CCDC78: BP4, BS1

Labcorp Genetics (formerly Invitae), Labcorp
Classification: Benign for Congenital myopathy with internal nuclei and atypical cores. Last evaluated: 2026-02-02. Review status: criteria provided, single submitter. Criteria: Invitae Variant Classification Sherloc (09022015). Collection method: clinical testing. Allele origin: germline.

GeneDx
Classification: Likely benign. Last evaluated: 2021-03-16. Review status: criteria provided, single submitter. Criteria: GeneDx Variant Classification Process June 2021. Collection method: clinical testing. Allele origin: germline. Affected: yes.

Breakthrough Genomics
Classification: Likely benign. Review status: criteria provided, single submitter. Criteria: ACMG Guidelines, 2015. Collection method: not provided. Allele origin: germline. Inheritance: Autosomal dominant inheritance. Affected: yes.

Genetic Services Laboratory, University of Chicago
Classification: Likely benign for AllHighlyPenetrant. Review status: no assertion criteria provided. Collection method: clinical testing. Allele origin: germline. Inheritance: Autosomal dominant inheritance. Not counted in ClinVar's aggregate classification.
Comment: Likely benign based on allele frequency in 1000 Genomes Project or ESP global frequency and its presence in a patient with a rare or unrelated disease phenotype. NOT Sanger confirmed.

NM_001378030.1(CCDC78):c.803C>T (p.Thr268Met)

Gene: CCDC78 (coiled-coil domain containing 78; minus strand). Cytogenetic location: 16p13.3.
Variant type: single nucleotide variant.
Coding change: c.803C>T on transcript NM_001378030.1 (MANE Select); coding-DNA position 803, C replaced by T.
Protein change: p.Thr268Met; replaces threonine 268 with methionine.
Molecular consequence: missense variant. On other transcripts: non-coding transcript variant (5).
Genome position (GRCh38, 1-based): chr16:724,472, G>A on the plus strand (C>T on the coding strand, the complement: CCDC78 is on the minus strand). VCF-style: chr16-724472-G-A. GRCh37 (hg19) VCF-style: chr16-774472-G-A.
Other names: c.803C>T, p.Thr268Met (NM_001031737.3, NM_001378031.1); c.236C>T, p.Thr79Met (NM_001378033.1); short protein forms T268M, T79M.
Identifiers: ClinVar variation 128632 (VCV000128632.20), dbSNP rs77707419, ClinGen allele CA152210.